The following is an entry in ClinVar:

NM_000535.7(PMS2):c.592A>C (p.Ile198Leu)

Gene: PMS2 (PMS1 homolog 2, mismatch repair system component; minus strand). Cytogenetic location: 7p22.1.
Variant type: single nucleotide variant.
Coding change: c.592A>C on transcript NM_000535.7 (MANE Select); coding-DNA position 592, A replaced by C.
Protein change: p.Ile198Leu; replaces isoleucine 198 with leucine.
Molecular consequence: missense variant. On other transcripts: 5 prime UTR variant (2), non-coding transcript variant (1), intron variant (6).
Genome position (GRCh38, 1-based): chr7:5,999,221, T>G on the plus strand (A>C on the coding strand, the complement: PMS2 is on the minus strand). VCF-style: chr7-5999221-T-G. GRCh37 (hg19) VCF-style: chr7-6038852-T-G.
Other names: c.187A>C, p.Ile63Leu (NM_001322005.2, NM_001322009.2, NM_001322010.2 and 21 more transcripts); c.592A>C, p.Ile198Leu (NM_001322006.2, NM_001322014.2, NM_001406869.1 and 5 more transcripts); c.274A>C, p.Ile92Leu (NM_001322007.2, NM_001322008.2, NM_001406876.1 and 4 more transcripts); c.-342A>C (NM_001322011.2, NM_001322012.2); c.283A>C, p.Ile95Leu (NM_001322015.2, NM_001406875.1, NM_001406877.1 and 6 more transcripts); c.778A>C, p.Ile260Leu (NM_001406866.1); c.616A>C, p.Ile206Leu (NM_001406868.1); c.256A>C, p.Ile86Leu (NM_001406885.1); and 4 more; short protein forms I198L, I206L, I260L, I63L, I86L, I92L, I95L.
Identifiers: ClinVar variation 4862111 (VCV004862111.1).
Genomic context (GRCh38, chr7:5,999,221, plus strand): 5'-CTGTGCATACCACAGGCTGTCGTTTTCCTTGTCCAAGCTGATTGGTGCAACTTACACGGA[T>G]GCCTGCTGAAATGATACAGTATGCATGTAAGACCTGGACCATTTTGGCATACTCCTGTTT-3'
Protein context (NP_000526.2, residues 188-208): LHAYCIISAG[Ile198Leu]RVSCTNQLGQ

ClinVar aggregate classification (germline): Uncertain significance (1 of 4 stars; one submission).

Conditions:
Hereditary cancer-predisposing syndrome. Also called: Neoplastic Syndromes, Hereditary; Tumor predisposition; Hereditary Cancer Syndrome; Hereditary neoplastic syndrome. Identifiers: Orphanet 140162, MedGen C0027672, MeSH D009386, MONDO:0015356.

Submission:

Ambry Genetics
Classification: Uncertain significance for Hereditary cancer-predisposing syndrome. Last evaluated: 2026-04-22. Review status: criteria provided, single submitter. Criteria: Ambry Variant Classification Scheme 2023. Collection method: clinical testing. Allele origin: germline.
Comment: The p.I198L variant (also known as c.592A>C), located in coding exon 6 of the PMS2 gene, results from an A to C substitution at nucleotide position 592. The isoleucine at codon 198 is replaced by leucine, an amino acid with highly similar properties. This amino acid position is conserved. In addition, this alteration is predicted to be tolerated by in silico analysis. Based on the available evidence, the clinical significance of this variant remains unclear.